The following is an entry in ClinVar:

ClinVar aggregate classification (germline): Uncertain significance. Review status: criteria provided, multiple submitters, no conflicts (2 of 4 stars). 3 submissions from 3 submitters: Uncertain significance (3). Last evaluated 2023-07-10.

Conditions:
Walker-Warburg congenital muscular dystrophy. Also called: Muscular dystrophy-dystroglycanopathy, type A; Walker-Warburg syndrome. Identifiers: Orphanet 899, MedGen C0265221, MONDO:0000171.

Submissions (3):

Labcorp Genetics (formerly Invitae), Labcorp
Classification: Uncertain significance for Walker-Warburg congenital muscular dystrophy. Last evaluated: 2023-07-10. Review status: criteria provided, single submitter. Criteria: Invitae Variant Classification Sherloc (09022015). Collection method: clinical testing. Allele origin: germline.
Comment: In summary, the available evidence is currently insufficient to determine the role of this variant in disease. Therefore, it has been classified as a Variant of Uncertain Significance. Advanced modeling of protein sequence and biophysical properties (such as structural, functional, and spatial information, amino acid conservation, physicochemical variation, residue mobility, and thermodynamic stability) performed at Invitae indicates that this missense variant is not expected to disrupt FKTN protein function. ClinVar contains an entry for this variant (Variation ID: 290546). This variant has not been reported in the literature in individuals affected with FKTN-related conditions. This variant is not present in population databases (gnomAD no frequency). This sequence change replaces isoleucine, which is neutral and non-polar, with valine, which is neutral and non-polar, at codon 150 of the FKTN protein (p.Ile150Val).

Revvity Omics, Revvity
Classification: Uncertain significance. Last evaluated: 2019-02-22. Review status: criteria provided, single submitter. Criteria: ACMG Guidelines, 2015. Collection method: clinical testing. Allele origin: germline.

Eurofins Ntd Llc (ga)
Classification: Uncertain significance. Last evaluated: 2016-08-31. Review status: criteria provided, single submitter. Criteria: EGL Classification Definitions 2015. Collection method: clinical testing. Allele origin: germline. Observed: 1 variant allele, 1 heterozygote.

NM_001079802.2(FKTN):c.448A>G (p.Ile150Val)

Gene: FKTN (fukutin; plus strand). Cytogenetic location: 9q31.2.
Variant type: single nucleotide variant.
Coding change: c.448A>G on transcript NM_001079802.2 (MANE Select); coding-DNA position 448, A replaced by G.
Protein change: p.Ile150Val; replaces isoleucine 150 with valine.
Molecular consequence: missense variant. On other transcripts: non-coding transcript variant (2).
Genome position (GRCh38, 1-based): chr9:105,604,293, A>G. VCF-style: chr9-105604293-A-G. GRCh37 (hg19) VCF-style: chr9-108366574-A-G.
Other names: c.448A>G, p.Ile150Val (NM_001198963.2, NM_001351496.2, NM_001351498.2 and 1 more transcripts); c.379A>G, p.Ile127Val (NM_001351497.2); c.52A>G, p.Ile18Val (NM_001351499.2, NM_001351500.2, NM_001351501.2 and 1 more transcripts); c.448A>G (NM_001079802.1); short protein forms I150V, I18V, I127V.
Identifiers: ClinVar variation 290546 (VCV000290546.16), dbSNP rs886044482, ClinGen allele CA10606812.
Genomic context (GRCh38, chr9:105,604,293, plus strand): 5'-GCTGAGAATATGGGATTTCAGTGCCTAAAGATTGAGAGTAAAGATCCCCGGCTAGACGGG[A>G]TAGACTCACTCTCTGGAACTGAAATCCCCCTGCACTATATCTGCAAACTGGCCACTCATG-3'
Protein context (NP_001073270.1, residues 140-160): IESKDPRLDG[Ile150Val]DSLSGTEIPL